The following is an entry in ClinVar:

ClinVar aggregate classification (germline): Uncertain significance. Review status: criteria provided, multiple submitters, no conflicts (2 of 4 stars). 2 submissions from 2 submitters: Uncertain significance (2). Last evaluated 2025-04-23.

Submissions (2):

GeneDx
Classification: Uncertain significance. Last evaluated: 2025-04-23. Review status: criteria provided, single submitter. Criteria: GeneDx Variant Classification Process June 2021. Collection method: clinical testing. Allele origin: germline. Affected: yes.
Comment: Not observed at significant frequency in large population cohorts (gnomAD); In silico analysis supports that this missense variant has a deleterious effect on protein structure/function; Has not been previously published as pathogenic or benign to our knowledge

Labcorp Genetics (formerly Invitae), Labcorp
Classification: Uncertain significance. Last evaluated: 2024-06-10. Review status: criteria provided, single submitter. Criteria: Invitae Variant Classification Sherloc (09022015). Collection method: clinical testing. Allele origin: germline.
Comment: This sequence change replaces arginine, which is basic and polar, with threonine, which is neutral and polar, at codon 619 of the PACS2 protein (p.Arg619Thr). This variant is not present in population databases (gnomAD no frequency). This variant has not been reported in the literature in individuals affected with PACS2-related conditions. Advanced modeling of protein sequence and biophysical properties (such as structural, functional, and spatial information, amino acid conservation, physicochemical variation, residue mobility, and thermodynamic stability) has been performed at Invitae for this missense variant, however the output from this modeling did not meet the statistical confidence thresholds required to predict the impact of this variant on PACS2 protein function. In summary, the available evidence is currently insufficient to determine the role of this variant in disease. Therefore, it has been classified as a Variant of Uncertain Significance.

NM_001100913.3(PACS2):c.1856G>C (p.Arg619Thr)

Gene: PACS2 (phosphofurin acidic cluster sorting protein 2; plus strand). Cytogenetic location: 14q32.33.
Variant type: single nucleotide variant.
Coding change: c.1856G>C on transcript NM_001100913.3 (MANE Select); coding-DNA position 1856, G replaced by C.
Protein change: p.Arg619Thr; replaces arginine 619 with threonine.
Molecular consequence: missense variant.
Genome position (GRCh38, 1-based): chr14:105,384,428, G>C. VCF-style: chr14-105384428-G-C. GRCh37 (hg19) VCF-style: chr14-105850765-G-C.
Other names: c.1619G>C, p.Arg540Thr (NM_001243127.3); c.1844G>C, p.Arg615Thr (NM_015197.4); c.1856G>C (NM_001100913.2); short protein forms R619T, R615T, R540T.
Identifiers: ClinVar variation 2700172 (VCV002700172.4), dbSNP rs782655286, ClinGen allele CA391184121.